The following continues an entry in ClinVar:

NM_206926.2(SELENON):c.1295G>A (p.Arg432Gln)

Gene: SELENON. ClinVar aggregate classification (germline): Pathogenic/Likely pathogenic. Pathogenic (15); Likely pathogenic (1).

Submissions 10 to 17 of 17:

Broad Center for Mendelian Genomics, Broad Institute of MIT and Harvard
Classification: Pathogenic. Last evaluated: 2023-01-24. Review status: criteria provided, single submitter. Criteria: ACMG Guidelines, 2015. Collection method: curation. Allele origin: germline. Inheritance: Autosomal recessive inheritance.
Comment: The p.Arg466Gln variant in SELENON was identified by our study in the compound heterozygous state, along with a pathogenic variant, in 2 individuals with SELENON-RM. The variant has been reported in at least 10 individuals with SELENON-RM (PMID: 11528383, 12192640, 17951086, 18713863, 21670436, 23394784, 24988964, 30921636, 33652732, 33726816, 32661288), segregated with disease in 1 affected relative from 1 family (PMID: 11528383), and has been identified in 0.0086% (11/128492) of European (non-Finnish) chromosomes by the Genome Aggregation Database (gnomAD; dbSNP ID: rs121908185). Although this variant has been seen in the general population in a heterozygous state, its frequency is low enough to be consistent with a recessive carrier frequency. This variant has also been reported in ClinVar (Variation ID#: 4492) and has been interpreted as pathogenic by multiple submitters. Of the affected individuals, 2 of those were homozygotes, 3 were compound heterozygotes that carried reported likely pathogenic/pathogenic variants with unknown phase, and 2 were compound heterozygotes that carried a reported pathogenic variant in trans, which increases the likelihood that the p.Arg466Gln variant is pathogenic (VariationID: 4494, 280493; PMID: 12192640, 33652732, 17951086, 21670436, 24988964). In vitro functional studies provide some evidence that the p.Arg466Gln variant may impact protein function (PMID: 19067361, 18713863). However, these types of assays may not accurately represent biological function. Computational prediction tools and conservation analyses suggest that this variant may impact the protein, though this information is not predictive enough to determine pathogenicity. In summary, this variant meets criteria to be classified as pathogenic for autosomal recessive SELENON-RM. ACMG/AMP Criteria applied: PP3, PM3_very-strong, PS3_moderate, PM2_supporting, (Richards 2015).

Cambridge Genomics Laboratory, East Genomic Laboratory Hub, NHS Genomic Medicine Service
Classification: Pathogenic for Cleft lip/palate. Last evaluated: 2020-04-16. Review status: criteria provided, single submitter. Criteria: ACGS Best Practice Guidelines for Variant Classification in Rare Disease 2020. Collection method: clinical testing. Allele origin: germline. Affected: yes. Observed: 1 variant allele.

Laboratory for Molecular Medicine, Mass General Brigham Personalized Medicine
Classification: Pathogenic for Muscular dystrophy. Last evaluated: 2020-03-27. Review status: criteria provided, single submitter. Criteria: LMM Criteria. Collection method: clinical testing. Allele origin: germline. Inheritance: Autosomal recessive inheritance. Observed: 1 variant allele.
Comment: The p.Arg466Gln variant in SELENON has been reported in at least 11 unrelated individuals with muscular dystrophy with minicores or rigid spine myopathy, all of whom were homozygous or compound heterozygous with an additional SELENON variant (Moghadaszadeh 2001, Ferreiro 2002, Jurynec 2008, Schara 2008, Maiti 2009, Maggi 2013, Rudenskaia 2014, Broad Institute Rare Genomes Project). It has also been identified in 0.009% (11/128492) of European chromosomes by gnomAD, a frequency low enough to be consistent with a recessive carrier frequency. This variant has also been reported in ClinVar (Variation ID: 4492). Computational prediction tools and conservation analyses support that this variant may impact the protein. Additionally, this variant occurs in the selenocysteine redefinition element (SRE) region, a region where multiple variants have been reported in association with disease and in vitro functional studies support an impact of this variant on protein function (Jurynec 2008, Maiti 2009). In summary, this variant meets criteria to be classified as pathogenic for autosomal recessive muscular dystrophy. ACMG/AMP Criteria applied: PM3_VeryStrong, PM1, PM2_Supporting, PS3_Moderate, PP3.

CeGaT Center for Human Genetics Tuebingen
Classification: Pathogenic. Last evaluated: 2019-10-01. Review status: criteria provided, single submitter. Criteria: CeGaT Center For Human Genetics Tuebingen Variant Classification Criteria Version 2. Collection method: clinical testing. Allele origin: germline. Affected: yes. Observed: 6 variant alleles.

Athena Diagnostics
Classification: Likely pathogenic. Last evaluated: 2017-04-28. Review status: criteria provided, single submitter. Criteria: Athena Diagnostics Criteria. Collection method: clinical testing. Allele origin: germline.

Illumina Laboratory Services, Illumina
Classification: Pathogenic for SEPN1-Related Disorders. Last evaluated: 2017-04-28. Review status: criteria provided, single submitter. Criteria: ICSL Variant Classification Criteria 09 May 2019. Collection method: clinical testing. Allele origin: germline.
Comment: The SEPN1 c.1397G>A (p.Arg466Gln) variant has been reported in six studies and is found in a total of eight patients with SEPN1-related disorders, including in one in a homozygous state and in seven in a compound heterozygous state (Moghadaszadeh et al. 2001; Ferreiro et al. 2002; Jurynec et al. 2008; Schara et al. 2008; Treves et al. 2008; Rudenskaia et al. 2014). The p.Arg466Gln variant was absent from 200 control chromosomes and is reported at a frequency of 0.00011 in the European (non-Finnish) population of the Exome Aggregation Consortium. Functional testing in muscle cell homogenates from an individual who was homozygous for the p.Arg466Gln variant, showed absence of expression of SEPN1 protein, and significantly reduced ryanodine binding capacity (Jurynec et al. 2008). In addition, Maiti et al. (2009) demonstrated a three-fold reduction in translation of a luciferase reporter construct in 293FT cells carrying the p.Arg466Gln variant compared to wild type. Based on the collective evidence, the p.Arg466Gln variant is classified as pathogenic for SEPN1-related disorders. This variant was observed by ICSL as part of a predisposition screen in an ostensibly healthy population.

Eurofins Ntd Llc (ga)
Classification: Pathogenic. Last evaluated: 2015-01-20. Review status: criteria provided, single submitter. Criteria: EGL Classification Definitions 2015. Collection method: clinical testing. Allele origin: germline. Observed: 1 variant allele, 1 heterozygote.

OMIM
Classification: Pathogenic for CONGENITAL MYOPATHY 3 WITH RIGID SPINE. Last evaluated: 2008-08-26. Review status: no assertion criteria provided. Collection method: literature only. Allele origin: germline. Not counted in ClinVar's aggregate classification.

Literature cited by the submitters: PubMed 11528383 (cited by 6 submitters); PubMed 19067361 (cited by 7 submitters); PubMed 23394784 (cited by 3 submitters); PubMed 24988964 (cited by 3 submitters); PubMed 18713863 (cited by 7 submitters); PubMed 12192640 (cited by 5 submitters); PubMed 21670436 (cited by 3 submitters); PubMed 33652732 (cited by 3 submitters); PubMed 35368679 (cited by Ambry Genetics and Variantyx, Inc.); PubMed 17951086 (cited by 4 submitters); PubMed 30921636 (cited by Laboratory for Molecular Medicine, Mass General Brigham Personalized Medicine); PubMed 12207930 (cited by Laboratory for Molecular Medicine, Mass General Brigham Personalized Medicine and Athena Diagnostics); PubMed 17365175 (cited by Laboratory for Molecular Medicine, Mass General Brigham Personalized Medicine); PubMed 11079538 (cited by Athena Diagnostics); PubMed 18313359 (cited by Illumina Laboratory Services, Illumina).